The following is an entry in ClinVar:

NM_015271.5(TRIM2):c.407C>T (p.Ala136Val)

Gene: TRIM2 (tripartite motif containing 2; plus strand). Cytogenetic location: 4q31.3.
Variant type: single nucleotide variant.
Coding change: c.407C>T on transcript NM_015271.5 (MANE Select); coding-DNA position 407, C replaced by T.
Protein change: p.Ala136Val; replaces alanine 136 with valine.
Molecular consequence: missense variant. On other transcripts: 5 prime UTR variant (1).
Genome position (GRCh38, 1-based): chr4:153,276,084, C>T. VCF-style: chr4-153276084-C-T. GRCh37 (hg19) VCF-style: chr4-154197236-C-T.
Other names: c.380C>T, p.Ala127Val (NM_001351054.2, NM_001302694.2); c.377C>T, p.Ala126Val (NM_001351055.2); c.326C>T, p.Ala109Val (NM_001351056.2, NM_001375512.1, NM_001375513.1 and 5 more transcripts); c.-151C>T (NM_001351057.2); c.407C>T, p.Ala136Val (NM_001375488.1, NM_001375490.1, NM_001375519.1 and 1 more transcripts); c.404C>T, p.Ala135Val (NM_001375489.1, NM_001375491.1, NM_001375520.1 and 1 more transcripts); c.68C>T, p.Ala23Val (NM_001375522.1, NM_001375523.1, NM_001375525.1); short protein forms A109V, A126V, A127V, A135V, A136V, A23V.
Identifiers: ClinVar variation 3618518 (VCV003618518.2).

ClinVar aggregate classification (germline): Uncertain significance (1 of 4 stars; one submission).

Conditions:
Charcot-Marie-Tooth disease type 2R. Also called: CHARCOT-MARIE-TOOTH DISEASE, AXONAL, AUTOSOMAL RECESSIVE, TYPE 2R; Charcot-Marie-Tooth disease, axonal, type 2R; CHARCOT-MARIE-TOOTH NEUROPATHY, TYPE 2R. Identifiers: Orphanet 397968, MedGen C3809655, MONDO:0014208, OMIM 615490.

Submission:

Labcorp Genetics (formerly Invitae), Labcorp
Classification: Uncertain significance for Charcot-Marie-Tooth disease type 2R. Last evaluated: 2024-11-24. Review status: criteria provided, single submitter. Criteria: Invitae Variant Classification Sherloc (09022015). Collection method: clinical testing. Allele origin: germline.
Comment: This sequence change replaces alanine, which is neutral and non-polar, with valine, which is neutral and non-polar, at codon 109 of the TRIM2 protein (p.Ala109Val). This variant is present in population databases (rs772987961, gnomAD 0.01%). This variant has not been reported in the literature in individuals affected with TRIM2-related conditions. An algorithm developed to predict the effect of missense changes on protein structure and function (PolyPhen-2) suggests that this variant is likely to be tolerated. In summary, the available evidence is currently insufficient to determine the role of this variant in disease. Therefore, it has been classified as a Variant of Uncertain Significance.